The following is an entry in ClinVar:

ClinVar aggregate classification (germline): Uncertain significance (1 of 4 stars; one submission).

Conditions:
Arrhythmogenic right ventricular dysplasia 13. Also called: Arrhythmogenic right ventricular dysplasia, familial, 13; ARRHYTHMOGENIC RIGHT VENTRICULAR CARDIOMYOPATHY 13. Identifiers: MedGen C3810138, MONDO:0000908, OMIM 615616.

Allele frequency attached by ClinVar (database versions not stated): gnomAD exomes below 0.00001.
gnomAD v4.1: 1 of 1,606,204 alleles (0.000062%); highest among the groups gnomAD compares: Non-Finnish European, 0.000085%; no homozygotes.

Submission:

Labcorp Genetics (formerly Invitae), Labcorp
Classification: Uncertain significance for Arrhythmogenic right ventricular dysplasia 13. Last evaluated: 2022-03-28. Review status: criteria provided, single submitter. Criteria: Invitae Variant Classification Sherloc (09022015). Collection method: clinical testing. Allele origin: germline.
Comment: Variants that disrupt the consensus splice site are a relatively common cause of aberrant splicing (PMID: 17576681, 9536098). Algorithms developed to predict the effect of sequence changes on RNA splicing suggest that this variant is not likely to affect RNA splicing. In summary, the available evidence is currently insufficient to determine the role of this variant in disease. Therefore, it has been classified as a Variant of Uncertain Significance. This variant has not been reported in the literature in individuals affected with CTNNA3-related conditions. This variant is not present in population databases (gnomAD no frequency). This sequence change falls in intron 12 of the CTNNA3 gene. It does not directly change the encoded amino acid sequence of the CTNNA3 protein. It affects a nucleotide within the consensus splice site.

Literature cited by the submitters: PubMed 17576681; PubMed 9536098.

NM_013266.4(CTNNA3):c.1732+6T>C

Gene: CTNNA3 (catenin alpha 3; minus strand). Cytogenetic location: 10q21.3.
Variant type: single nucleotide variant.
Coding change: c.1732+6T>C on transcript NM_013266.4 (MANE Select); 6 bases into the intron after coding-DNA position 1732, T replaced by C.
Molecular consequence: intron variant.
Genome position (GRCh38, 1-based): chr10:66,379,146, A>G on the plus strand (T>C on the coding strand, the complement: CTNNA3 is on the minus strand). VCF-style: chr10-66379146-A-G. GRCh37 (hg19) VCF-style: chr10-68138904-A-G.
Other names: c.1732+6T>C (NM_001127384.3).
Identifiers: ClinVar variation 1960438 (VCV001960438.5), dbSNP rs2547059053, ClinGen allele CA2574560295.